The following is an entry in ClinVar:

ClinVar aggregate classification (germline): Uncertain significance (1 of 4 stars; one submission).

Conditions:
Inborn genetic diseases. Identifiers: MedGen C0950123, MeSH D030342.

Submission:

Ambry Genetics
Classification: Uncertain significance for Inborn genetic diseases. Last evaluated: 2025-03-10. Review status: criteria provided, single submitter. Criteria: Ambry Variant Classification Scheme 2023. Collection method: clinical testing. Allele origin: germline.
Comment: The p.K1247N variant (also known as c.3741G>T), located in coding exon 37 of the FANCA gene, results from a G to T substitution at nucleotide position 3741. The lysine at codon 1247 is replaced by asparagine, an amino acid with similar properties. This amino acid position is conserved. In addition, this alteration is predicted to be tolerated by in silico analysis. Based on the available evidence, the clinical significance of this variant remains unclear.

NM_000135.4(FANCA):c.3741G>T (p.Lys1247Asn)

Gene: FANCA (FA complementation group A; minus strand). Cytogenetic location: 16q24.3.
Variant type: single nucleotide variant.
Coding change: c.3741G>T on transcript NM_000135.4 (MANE Select); coding-DNA position 3741, G replaced by T.
Protein change: p.Lys1247Asn; replaces lysine 1247 with asparagine.
Molecular consequence: missense variant.
Genome position (GRCh38, 1-based): chr16:89,742,824, C>A on the plus strand (G>T on the coding strand, the complement: FANCA is on the minus strand). VCF-style: chr16-89742824-C-A. GRCh37 (hg19) VCF-style: chr16-89809232-C-A.
Other names: c.3741G>T, p.Lys1247Asn (NM_001286167.3); short protein forms K1247N.
Identifiers: ClinVar variation 3848301 (VCV003848301.1).